The following is an entry in ClinVar:

NM_015404.4(WHRN):c.856dup (p.Asp286fs)

Gene: WHRN (whirlin; minus strand). Cytogenetic location: 9q32.
Variant type: Duplication.
Coding change: c.856dup on transcript NM_015404.4 (MANE Select); coding-DNA position 856, one base duplicated (G; older notation c.856dupG).
Protein change: p.Asp286fs; shifts the reading frame from aspartic acid 286.
Molecular consequence: frameshift variant. On other transcripts: 5 prime UTR variant (1).
Genome position (GRCh38, 1-based): chr9:114,466,374, C duplicated on the plus strand (G on the coding strand, the reverse complement: WHRN is on the minus strand); the first of 5 consecutive C bases (chr9:114,466,374-114,466,378); duplicating any one gives the same sequence. VCF-style (leftmost placement, unchanged base first): chr9-114466373-T-TC. GRCh37 (hg19) VCF-style: chr9-117228653-T-TC.
Other names: c.-294dup (NM_001083885.3); c.856dup, p.Asp286fs (NM_001173425.2); short protein forms D286fs.
Identifiers: ClinVar variation 420550 (VCV000420550.11), dbSNP rs1064794551, ClinGen allele CA16618729.

ClinVar aggregate classification (germline): Pathogenic/Likely pathogenic. Review status: criteria provided, multiple submitters, no conflicts (2 of 4 stars). 3 submissions from 3 submitters: Pathogenic (1); Likely pathogenic (2). Last evaluated 2025-10-14.

Conditions:
Usher syndrome type 2D. Also called: USHER SYNDROME, TYPE IID. Identifiers: Orphanet 231178, Orphanet 886, MedGen C1568249, MONDO:0012662, OMIM 611383.
Autosomal recessive nonsyndromic hearing loss 31. Also called: WHIRLER, MOUSE, HOMOLOG OF. Identifiers: Orphanet 90636, MedGen C1846839, MONDO:0011767, OMIM 607084.

Submissions (3):

Labcorp Genetics (formerly Invitae), Labcorp
Classification: Pathogenic. Last evaluated: 2025-10-14. Review status: criteria provided, single submitter. Criteria: Invitae Variant Classification Sherloc (09022015). Collection method: clinical testing. Allele origin: germline.
Comment: This sequence change creates a premature translational stop signal (p.Asp286Glyfs*14) in the WHRN gene. It is expected to result in an absent or disrupted protein product. Loss-of-function variants in WHRN are known to be pathogenic (PMID: 12833159, 15841483, 22147658). This variant is present in population databases (no rsID available, gnomAD 0.002%). This variant has not been reported in the literature in individuals affected with WHRN-related conditions. ClinVar contains an entry for this variant (Variation ID: 420550). For these reasons, this variant has been classified as Pathogenic.

Fulgent Genetics
Classification: Likely pathogenic for Autosomal recessive nonsyndromic hearing loss 31; Usher syndrome type 2D. Last evaluated: 2024-02-05. Review status: criteria provided, single submitter. Criteria: ACMG Guidelines, 2015. Collection method: clinical testing. Allele origin: germline.

GeneDx
Classification: Likely pathogenic. Last evaluated: 2016-03-09. Review status: criteria provided, single submitter. Criteria: GeneDx Variant Classification (06012015). Collection method: clinical testing. Allele origin: germline. Affected: yes.
Comment: The c.856dupG variant in the DFNB31 gene has not been reported previously as a pathogenic variant nor as a benign variant, to our knowledge. The c.856dupG variant causes a frameshift starting with codon Aspartic Acid 286, changes this amino acid to a Glycine residue, and creates a premature Stop codon at position 14 of the new reading frame, denoted p.Asp286GlyfsX14. This variant is predicted to cause loss of normal protein function either through protein truncation or nonsense-mediated mRNA decay. The c.856dupG variant was not observed in approximately 6500 individuals of European and African American ancestry in the NHLBI Exome Sequencing Project, indicating it is not a common benign variant in these populations. The c.856dupG variant is a strong candidate for a pathogenic variant, however the possibility it may be a rare benign variant cannot be excluded.

Literature cited by the submitters: PubMed 12833159 (cited by Labcorp Genetics (formerly Invitae), Labcorp); PubMed 15841483 (cited by Labcorp Genetics (formerly Invitae), Labcorp); PubMed 22147658 (cited by Labcorp Genetics (formerly Invitae), Labcorp).